The following is an entry in ClinVar:

ClinVar aggregate classification (germline): Uncertain significance. Review status: criteria provided, multiple submitters, no conflicts (2 of 4 stars). 2 submissions from 2 submitters: Uncertain significance (2). Last evaluated 2025-03-25.

Conditions:
Legius syndrome. Identifiers: Orphanet 137605, MedGen C1969623, MONDO:0012669, OMIM 611431. Disease mechanism: loss of function.
Cardiovascular phenotype. Identifiers: MedGen CN230736.

Submissions (2):

Ambry Genetics
Classification: Uncertain significance for Cardiovascular phenotype. Last evaluated: 2025-03-25. Review status: criteria provided, single submitter. Criteria: Ambry Variant Classification Scheme 2023. Collection method: clinical testing. Allele origin: germline.
Comment: The p.P315S variant (also known as c.943C>T), located in coding exon 7 of the SPRED1 gene, results from a C to T substitution at nucleotide position 943. The proline at codon 315 is replaced by serine, an amino acid with similar properties. This amino acid position is conserved. In addition, the in silico prediction for this alteration is inconclusive. Based on the available evidence, the clinical significance of this variant remains unclear.

Labcorp Genetics (formerly Invitae), Labcorp
Classification: Uncertain significance for Legius syndrome. Last evaluated: 2023-08-16. Review status: criteria provided, single submitter. Criteria: Invitae Variant Classification Sherloc (09022015). Collection method: clinical testing. Allele origin: germline.
Comment: This sequence change replaces proline, which is neutral and non-polar, with serine, which is neutral and polar, at codon 315 of the SPRED1 protein (p.Pro315Ser). In summary, the available evidence is currently insufficient to determine the role of this variant in disease. Therefore, it has been classified as a Variant of Uncertain Significance. Advanced modeling of protein sequence and biophysical properties (such as structural, functional, and spatial information, amino acid conservation, physicochemical variation, residue mobility, and thermodynamic stability) has been performed at Invitae for this missense variant, however the output from this modeling did not meet the statistical confidence thresholds required to predict the impact of this variant on SPRED1 protein function. This variant has not been reported in the literature in individuals affected with SPRED1-related conditions. This variant is not present in population databases (gnomAD no frequency).

NM_152594.3(SPRED1):c.943C>T (p.Pro315Ser)

Gene: SPRED1 (sprouty related EVH1 domain containing 1; plus strand). Cytogenetic location: 15q14.
Variant type: single nucleotide variant.
Coding change: c.943C>T on transcript NM_152594.3 (MANE Select); coding-DNA position 943, C replaced by T.
Protein change: p.Pro315Ser; replaces proline 315 with serine.
Molecular consequence: missense variant.
Genome position (GRCh38, 1-based): chr15:38,351,272, C>T. VCF-style: chr15-38351272-C-T. GRCh37 (hg19) VCF-style: chr15-38643473-C-T.
Other names: c.943C>T (NM_152594.2); short protein forms P315S.
Identifiers: ClinVar variation 2968086 (VCV002968086.4), dbSNP rs2542743162, ClinGen allele CA391933595.
Genomic context (GRCh38, chr15:38,351,272, plus strand): 5'-TCTTGTGGGGATGAGACTAAGTTAAGTTCACCCAAAGACTCTGTGGTATTTAAGACGCAG[C>T]CTTCCTCATTAAAAATTAAGAAGTCAAAACGAAGAAAAGAGGATGGTGAACGTTCTCGCT-3'
Protein context (NP_689807.1, residues 305-325): PKDSVVFKTQ[Pro315Ser]SSLKIKKSKR